The following is an entry in ClinVar:

ClinVar aggregate classification (germline): Benign/Likely benign. Review status: criteria provided, multiple submitters, no conflicts (2 of 4 stars). 12 submissions from 12 submitters: Benign (8); Likely benign (1). 3 of the submissions do not count toward it. Last evaluated 2026-01-27.

Conditions:
Pulmonary arterial hypertension. Identifiers: Orphanet 182090, MedGen C2973725, MeSH D000081029, MONDO:0015924, HP:0002092.
Cerebral arteriopathy, autosomal dominant, with subcortical infarcts and leukoencephalopathy, type 1 (CADASIL1). Also called: CASIL; Cerebral arteriopathy with subcortical infarcts and leukoencephalopathy 1; DEMENTIA, HEREDITARY MULTIINFARCT TYPE; CADASIL 1. Identifiers: Orphanet 136, MedGen C4551768, MONDO:0000914, OMIM 125310.

Allele frequency attached by ClinVar (database versions not stated): ExAC 0.00480; ESP Exome Variant Server 0.01499; 1000 Genomes Project 0.02416; gnomAD 0.02512 and 0.02709; 1000 Genomes Project 30x 0.02592; TOPMed 0.02890.
gnomAD v4.1: 7,263 of 1,525,304 alleles (0.48%); highest among the groups gnomAD compares: African/African-American, 8.9%; 287 homozygotes.

Submissions (12):

Labcorp Genetics (formerly Invitae), Labcorp
Classification: Benign. Last evaluated: 2026-01-27. Review status: criteria provided, single submitter. Criteria: Invitae Variant Classification Sherloc (09022015). Collection method: clinical testing. Allele origin: germline.

ARUP Laboratories, Molecular Genetics and Genomics, ARUP Laboratories
Classification: Benign. Last evaluated: 2025-07-15. Review status: criteria provided, single submitter. Criteria: ARUP Molecular Germline Variant Investigation Process 2024. Collection method: clinical testing. Allele origin: germline.

Athena Diagnostics
Classification: Benign. Last evaluated: 2025-07-09. Review status: criteria provided, single submitter. Criteria: Athena Diagnostics Criteria. Collection method: clinical testing. Allele origin: unknown.
Comment: The frequency of this variant in the general population is higher than would generally be expected for pathogenic variants in this gene.

Blueprint Genetics
Classification: Likely benign. Last evaluated: 2024-11-28. Review status: criteria provided, single submitter. Criteria: ACMG Guidelines, 2015. Collection method: clinical testing. Allele origin: germline.

Mayo Clinic Laboratories, Mayo Clinic
Classification: Benign. Last evaluated: 2023-11-08. Review status: criteria provided, single submitter. Criteria: ACMG Guidelines, 2015. Collection method: clinical testing. Allele origin: germline. Observed: 97 variant alleles.

GeneDx
Classification: Benign. Last evaluated: 2021-05-05. Review status: criteria provided, single submitter. Criteria: GeneDx Variant Classification Process June 2021. Collection method: clinical testing. Allele origin: germline. Affected: yes.

Illumina Laboratory Services, Illumina
Classification: Benign for Cerebral arteriopathy, autosomal dominant, with subcortical infarcts and leukoencephalopathy, type 1. Last evaluated: 2018-01-12. Review status: criteria provided, single submitter. Criteria: ICSL Variant Classification Criteria 13 December 2019. Collection method: clinical testing. Allele origin: germline.
Comment: This variant was observed in the ICSL laboratory as part of a predisposition screen in an ostensibly healthy population. It had not been previously curated by ICSL or reported in the Human Gene Mutation Database (HGMD: prior to June 1st, 2018), and was therefore a candidate for classification through an automated scoring system. Utilizing variant allele frequency, disease prevalence and penetrance estimates, and inheritance mode, an automated score was calculated to assess if this variant is too frequent to cause the disease. Based on the score and internal cut-off values, a variant classified as benign is not then subjected to further curation. The score for this variant resulted in a classification of benign for this disease.

Breakthrough Genomics
Classification: Benign. Review status: criteria provided, single submitter. Criteria: ACMG Guidelines, 2015. Collection method: not provided. Allele origin: germline. Inheritance: Autosomal dominant inheritance. Affected: yes.

PreventionGenetics, part of Exact Sciences
Classification: Benign. Review status: criteria provided, single submitter. Criteria: ACMG Guidelines, 2015. Collection method: clinical testing. Allele origin: germline.

John Welsh Cardiovascular Diagnostic Laboratory, Baylor College of Medicine
Classification: Benign for Pulmonary arterial hypertension. Last evaluated: 2022-09-26. Review status: no assertion criteria provided. Criteria: ACMG Guidelines, 2015. Collection method: clinical testing. Allele origin: germline. Not counted in ClinVar's aggregate classification.

Genome Diagnostics Laboratory, Amsterdam University Medical Center
Classification: Likely benign. Review status: no assertion criteria provided. Collection method: clinical testing. Allele origin: germline. Affected: yes. Study: VKGL Data-share Consensus. Not counted in ClinVar's aggregate classification.

Laboratory of Diagnostic Genome Analysis, Leiden University Medical Center (LUMC)
Classification: Likely benign. Review status: no assertion criteria provided. Collection method: clinical testing. Allele origin: germline. Affected: yes. Study: VKGL Data-share Consensus. Not counted in ClinVar's aggregate classification.

Literature cited by the submitters: PubMed 24086431 (cited by Athena Diagnostics).

NM_000435.3(NOTCH3):c.6221C>T (p.Pro2074Leu)

Gene: NOTCH3 (notch receptor 3; minus strand). Cytogenetic location: 19p13.12.
Variant type: single nucleotide variant.
Coding change: c.6221C>T on transcript NM_000435.3 (MANE Select); coding-DNA position 6221, C replaced by T.
Protein change: p.Pro2074Leu; replaces proline 2074 with leucine.
Molecular consequence: missense variant.
Genome position (GRCh38, 1-based): chr19:15,161,407, G>A on the plus strand (C>T on the coding strand, the complement: NOTCH3 is on the minus strand). VCF-style: chr19-15161407-G-A. GRCh37 (hg19) VCF-style: chr19-15272218-G-A.
Other names: short protein forms P2074L.
Identifiers: ClinVar variation 256150 (VCV000256150.37), dbSNP rs114447350, ClinGen allele CA9262400.